The following is an entry in ClinVar:

NM_004500.4(HNRNPC):c.812A>G (p.Lys271Arg)

Gene: HNRNPC (heterogeneous nuclear ribonucleoprotein C; minus strand). Cytogenetic location: 14q11.2.
Variant type: single nucleotide variant.
Coding change: c.812A>G on transcript NM_004500.4 (MANE Select); coding-DNA position 812, A replaced by G.
Protein change: p.Lys271Arg; replaces lysine 271 with arginine.
Molecular consequence: missense variant.
Genome position (GRCh38, 1-based): chr14:21,211,293, T>C on the plus strand (A>G on the coding strand, the complement: HNRNPC is on the minus strand). VCF-style: chr14-21211293-T-C. GRCh37 (hg19) VCF-style: chr14-21679452-T-C.
Other names: c.851A>G, p.Lys284Arg (NM_001077442.2, NM_031314.3); c.812A>G, p.Lys271Arg (NM_001077443.2); short protein forms K271R, K284R.
Identifiers: ClinVar variation 3360515 (VCV003360515.1).
Genomic context (GRCh38, chr14:21,211,293, plus strand): 5'-TCCTCGCCATTGGCGCTGTCTCTGTCATCCTCTCCTTCCTCAGCCTCTTTTTCATCATCC[T>C]TGATCAACTCCAGCTGTGAGAAACAGACACAAACAGGATGGAGTTAGAGGCACTCCATGT-3'
Protein context (NP_004491.2, residues 261-281): DRGDDQLELI[Lys271Arg]DDEKEAEEGE

ClinVar aggregate classification (germline): Uncertain significance (1 of 4 stars; one submission).

Submission:

GeneDx
Classification: Uncertain significance. Last evaluated: 2023-06-30. Review status: criteria provided, single submitter. Criteria: GeneDx Variant Classification Process June 2021. Collection method: clinical testing. Allele origin: germline. Affected: yes.
Comment: Not observed at significant frequency in large population cohorts (gnomAD); In silico analysis supports that this missense variant does not alter protein structure/function; Has not been previously published as pathogenic or benign to our knowledge; Variants in candidate genes are classified as variants of uncertain significance in accordance with ACMG guidelines (Richards et al., 2015)